The following is an entry in ClinVar:

ClinVar aggregate classification (germline): Uncertain significance (1 of 4 stars; one submission).

Conditions:
Agammaglobulinemia 2, autosomal recessive (AGM2). Also called: AGAMMAGLOBULINEMIA, AUTOSOMAL RECESSIVE, DUE TO IGLL1 DEFECT. Identifiers: MedGen C3150750, MONDO:0013287, OMIM 613500.

Allele frequency attached by ClinVar (database versions not stated): TOPMed below 0.00001; gnomAD exomes 0.00001.
gnomAD v4.1: 8 of 1,558,044 alleles (0.00051%); highest among the groups gnomAD compares: Non-Finnish European, 0.00061%; no homozygotes.

Submission:

Labcorp Genetics (formerly Invitae), Labcorp
Classification: Uncertain significance for Agammaglobulinemia 2, autosomal recessive. Last evaluated: 2022-05-12. Review status: criteria provided, single submitter. Criteria: Invitae Variant Classification Sherloc (09022015). Collection method: clinical testing. Allele origin: germline.
Comment: This sequence change replaces proline, which is neutral and non-polar, with serine, which is neutral and polar, at codon 18 of the IGLL1 protein (p.Pro18Ser). In summary, the available evidence is currently insufficient to determine the role of this variant in disease. Therefore, it has been classified as a Variant of Uncertain Significance. Algorithms developed to predict the effect of missense changes on protein structure and function (SIFT, PolyPhen-2, Align-GVGD) all suggest that this variant is likely to be tolerated. This variant has not been reported in the literature in individuals affected with IGLL1-related conditions. The frequency data for this variant in the population databases is considered unreliable, as metrics indicate poor data quality at this position in the gnomAD database.

NM_020070.4(IGLL1):c.52C>T (p.Pro18Ser)

Gene: IGLL1 (immunoglobulin lambda like polypeptide 1; minus strand). Cytogenetic location: 22q11.23.
Variant type: single nucleotide variant.
Coding change: c.52C>T on transcript NM_020070.4 (MANE Select); coding-DNA position 52, C replaced by T.
Protein change: p.Pro18Ser; replaces proline 18 with serine.
Molecular consequence: missense variant.
Genome position (GRCh38, 1-based): chr22:23,580,139, G>A on the plus strand (C>T on the coding strand, the complement: IGLL1 is on the minus strand). VCF-style: chr22-23580139-G-A. GRCh37 (hg19) VCF-style: chr22-23922326-G-A.
Other names: c.52C>T, p.Pro18Ser (NM_001369906.1, NM_152855.3); short protein forms P18S.
Identifiers: ClinVar variation 1993212 (VCV001993212.4), dbSNP rs1369428088, ClinGen allele CA410899582.